The following is an entry in ClinVar:

ClinVar aggregate classification (germline): Likely benign (1 of 4 stars; one submission).

Conditions:
Colorectal cancer, hereditary nonpolyposis, type 7. Identifiers: Orphanet 144, MedGen C1858380, MONDO:0013725, OMIM 614385.

Submission:

Myriad Genetics, Inc.
Classification: Likely benign for Colorectal cancer, hereditary nonpolyposis, type 7. Last evaluated: 2026-09-11. Review status: criteria provided, single submitter. Criteria: Myriad Autosomal Dominant, Autosomal Recessive and X-Linked Classification Criteria (2023). Collection method: clinical testing. Allele origin: unknown.
Comment: This variant is considered likely benign. This variant is intronic and is not expected to impact mRNA splicing.

NM_001040108.2(MLH3):c.3715+8T>G

Gene: MLH3 (mutL homolog 3; minus strand). Cytogenetic location: 14q24.3.
Variant type: single nucleotide variant.
Coding change: c.3715+8T>G on transcript NM_001040108.2 (MANE Select); 8 bases into the intron after coding-DNA position 3715, T replaced by G.
Molecular consequence: intron variant.
Genome position (GRCh38, 1-based): chr14:75,033,411, A>C on the plus strand (T>G on the coding strand, the complement: MLH3 is on the minus strand). VCF-style: chr14-75033411-A-C. GRCh37 (hg19) VCF-style: chr14-75500114-A-C.
Other names: c.3644-1232T>G (NM_014381.3).
Identifiers: ClinVar variation 5042191 (VCV005042191.1).